The following is an entry in ClinVar:

NM_004056.6(CA8):c.680G>A (p.Cys227Tyr)

Gene: CA8 (carbonic anhydrase 8; minus strand). Cytogenetic location: 8q12.1.
Variant type: single nucleotide variant.
Coding change: c.680G>A on transcript NM_004056.6 (MANE Select); coding-DNA position 680, G replaced by A.
Protein change: p.Cys227Tyr; replaces cysteine 227 with tyrosine.
Molecular consequence: missense variant. On other transcripts: non-coding transcript variant (1).
Genome position (GRCh38, 1-based): chr8:60,222,707, C>T on the plus strand (G>A on the coding strand, the complement: CA8 is on the minus strand). VCF-style: chr8-60222707-C-T. GRCh37 (hg19) VCF-style: chr8-61135266-C-T.
Other names: p.Cys227Tyr; c.680G>A, p.Cys227Tyr (NM_001321837.2, NM_001321838.2); c.584G>A, p.Cys195Tyr (NM_001321839.2); short protein forms C195Y, C227Y.
Identifiers: ClinVar variation 4541374 (VCV004541374.1).

ClinVar aggregate classification (germline): Uncertain significance (1 of 4 stars; one submission).

gnomAD v4.1: 14 of 1,613,994 alleles (0.00087%); highest among the groups gnomAD compares: Non-Finnish European, 0.0012%; no homozygotes.

Submission:

Mayo Clinic Laboratories, Mayo Clinic
Classification: Uncertain significance. Last evaluated: 2025-08-13. Review status: criteria provided, single submitter. Criteria: ACMG Guidelines, 2015. Collection method: clinical testing. Allele origin: germline. Observed: 1 variant allele.
Comment: PP3, PM2_supporting